The following is an entry in ClinVar:

NM_003803.4(MYOM1):c.4743G>A (p.Val1581=)

Gene: MYOM1 (myomesin 1; minus strand). Cytogenetic location: 18p11.31.
Variant type: single nucleotide variant.
Coding change: c.4743G>A on transcript NM_003803.4 (MANE Select); coding-DNA position 4743, G replaced by A.
Protein change: p.Val1581=; no amino-acid change (valine 1581 retained).
Molecular consequence: synonymous variant.
Genome position (GRCh38, 1-based): chr18:3,071,855, C>T on the plus strand (G>A on the coding strand, the complement: MYOM1 is on the minus strand). VCF-style: chr18-3071855-C-T. GRCh37 (hg19) VCF-style: chr18-3071853-C-T.
Other names: c.4455G>A, p.Val1485= (NM_019856.2).
Identifiers: ClinVar variation 1127823 (VCV001127823.13), dbSNP rs756428714, ClinGen allele CA8873786.
Genomic context (GRCh38, chr18:3,071,855, plus strand): 5'-AGTGCAGAAGGAGCAGGCACAGGCAGGCTTCATGCTTACCTTCCCCTCCTGGATGGTGAC[C>T]ACGTCTGGGAGACCTCCCAACACCCGGGCACGATCTGCAAGCATAGGCATTTTGGGTTAA-3'
Protein context (NP_003794.3, residues 1571-1591): RARVLGGLPD[Val1581=]VTIQEGKALN

ClinVar aggregate classification (germline): Likely benign. Review status: criteria provided, multiple submitters, no conflicts (2 of 4 stars). 3 submissions from 3 submitters: Likely benign (2). 1 of the submissions does not count toward it. Last evaluated 2026-01-15.

Conditions:
MYOM1-related disorder.
Hypertrophic cardiomyopathy. Also called: HYPERTROPHIC MYOCARDIOPATHY. Identifiers: Orphanet 217569, MedGen C0007194, MeSH D002312, MONDO:0005045, HP:0001639.

Allele frequency attached by ClinVar (database versions not stated): gnomAD exomes 0.00009; ExAC 0.00016; gnomAD 0.00027 and 0.00030; TOPMed 0.00038.
gnomAD v4.1: 106 of 1,604,570 alleles (0.0066%); highest among the groups gnomAD compares: African/African-American, 0.1%; no homozygotes.

Submissions (3):

Labcorp Genetics (formerly Invitae), Labcorp
Classification: Likely benign for Hypertrophic cardiomyopathy. Last evaluated: 2026-01-15. Review status: criteria provided, single submitter. Criteria: Invitae Variant Classification Sherloc (09022015). Collection method: clinical testing. Allele origin: germline.

Ambry Genetics
Classification: Likely benign. Last evaluated: 2022-03-03. Review status: criteria provided, single submitter. Criteria: Ambry Variant Classification Scheme 2023. Collection method: clinical testing. Allele origin: germline.

PreventionGenetics, part of Exact Sciences
Classification: Likely benign for MYOM1-related condition. Last evaluated: 2023-12-27. Review status: no assertion criteria provided. Collection method: clinical testing. Allele origin: germline. Not counted in ClinVar's aggregate classification.
Comment: This variant is classified as likely benign based on ACMG/AMP sequence variant interpretation guidelines (Richards et al. 2015 PMID: 25741868, with internal and published modifications).